The following is an entry in ClinVar:

ClinVar aggregate classification (germline): Uncertain significance. Review status: criteria provided, multiple submitters, no conflicts (2 of 4 stars). 3 submissions from 3 submitters: Uncertain significance (2). 1 of the submissions does not count toward it. Last evaluated 2024-04-22.

Conditions:
Tip-toe gait. Also called: Toe walking. Identifiers: MedGen C0427144, HP:0030051.
Intellectual developmental disorder, X-linked 1. Also called: MENTAL RETARDATION, X-LINKED 18; MENTAL RETARDATION, X-LINKED 78; Intellectual disability, X-linked 1; Atkin Flaitz Patil Smith syndrome. Identifiers: Orphanet 777, MedGen C2931498, MONDO:0010656, OMIM 309530.
Inborn genetic diseases. Identifiers: MedGen C0950123, MeSH D030342.

Allele frequency attached by ClinVar (database versions not stated): 1000 Genomes Project 30x 0.00021; TOPMed 0.00001; gnomAD exomes 0.00002 and 0.00001; 1000 Genomes Project 0.00026; gnomAD 0.00001; ExAC 0.00006.
gnomAD v4.1: 14 of 1,164,030 alleles (0.0012%); highest among the groups gnomAD compares: Non-Finnish European, 0.001%; no homozygotes.

Submissions (3):

Labcorp Genetics (formerly Invitae), Labcorp
Classification: Uncertain significance for Intellectual developmental disorder, X-linked 1. Last evaluated: 2024-04-22. Review status: criteria provided, single submitter. Criteria: Invitae Variant Classification Sherloc (09022015). Collection method: clinical testing. Allele origin: germline.
Comment: This sequence change falls in intron 1 of the IQSEC2 gene. It does not directly change the encoded amino acid sequence of the IQSEC2 protein. It affects a nucleotide within the consensus splice site. This variant is present in population databases (rs781873807, gnomAD 0.005%). This variant has been observed in individual(s) with IQSEC2-related conditions (Invitae). ClinVar contains an entry for this variant (Variation ID: 567855). Variants that disrupt the consensus splice site are a relatively common cause of aberrant splicing (PMID: 17576681, 9536098). Algorithms developed to predict the effect of sequence changes on RNA splicing suggest that this variant is not likely to affect RNA splicing. In summary, the available evidence is currently insufficient to determine the role of this variant in disease. Therefore, it has been classified as a Variant of Uncertain Significance.

Ambry Genetics
Classification: Uncertain significance for Inborn genetic diseases. Last evaluated: 2020-11-04. Review status: criteria provided, single submitter. Criteria: Ambry Variant Classification Scheme 2023. Collection method: clinical testing. Allele origin: germline.
Comment: The c.708-3C>T intronic alteration results from a C to T substitution 3 nucleotides before coding exon 2 of the IQSEC2 gene. Based on data from the Genome Aggregation Database (gnomAD) database, the IQSEC2 c.708-3C>T alteration was observed in 0.00175% (2/114,265) of total alleles studied, with a frequency of 0.0045% (2/44,211) in the European (non-Finnish) subpopulation. This nucleotide position is conserved in available mammalian species. In silico splice site analysis predicts that this alteration will not have any significant effect on splicing. Based on insufficient or conflicting evidence, the clinical significance of this alteration remains unclear.

Practice for Gait Abnormalities, David Pomarino, Competency Network Toe Walking C/o Practice Pomarino
Classification: Likely pathogenic for Tip-toe gait. Review status: no assertion criteria provided. Collection method: clinical testing. Allele origin: germline. Affected: yes. Not counted in ClinVar's aggregate classification.
Comment: Hereditary motor sensory neuropathy (HMSN), also known as Charcot-Marie-Tooth Disease (CMT), is the most commonly inherited peripheral polyneuropathy. It constitutes a group of inherited, progressive, motor and sensory peripheral nerve disorders with properties of demyelination, axonal degeneration, or both. It is classified by clinical characteristics, modes of inheritance, electrophysiologic features, metabolic defects, and specific gene markers. Our patients all walk on tiptoe, so they show similar symptoms. When we genetically test them with our toe walking panel, we find that around 90 per cent of them have a genetic variant that explains their toe walking. These can be assigned, for example, to the area of myopathies (such as variants of the COL6A3 gene), the area of hereditary neuropathies (such as variants of the KMT2C gene) or the area of metabolic diseases (such as variants of the PYGM gene). In a smaller group of patients with almost identical symptoms, no abnormality is found in the genes of our panel, but spastic paraplegia can be detected. In another small group of our toe walkers, no abnormalities can be detected in the genes analysed in our toe walking panel, nor do they suffer from spastic paraplegia, as is also the case with healthy children. In contrast to these, however, they show a tiptoe gait. These patients suffer from infantile cerebral palsy, in which toe walking can also be observed.

Literature cited by the submitters: PubMed 17576681 (cited by Labcorp Genetics (formerly Invitae), Labcorp); PubMed 9536098 (cited by Labcorp Genetics (formerly Invitae), Labcorp); PubMed 37091313 (cited by Practice for Gait Abnormalities, David Pomarino, Competency Network Toe Walking C/o Practice Pomarino).

NM_001111125.3(IQSEC2):c.708-3C>T

Gene: IQSEC2 (IQ motif and Sec7 domain ArfGEF 2; minus strand). Cytogenetic location: Xp11.22.
Variant type: single nucleotide variant.
Coding change: c.708-3C>T on transcript NM_001111125.3 (MANE Select); 3 bases into the intron before coding-DNA position 708, C replaced by T.
Molecular consequence: intron variant.
Genome position (GRCh38, 1-based): chrX:53,291,927, G>A on the plus strand (C>T on the coding strand, the complement: IQSEC2 is on the minus strand). VCF-style: chrX-53291927-G-A. GRCh37 (hg19) VCF-style: chrX-53321109-G-A.
Identifiers: ClinVar variation 567855 (VCV000567855.12), dbSNP rs781873807, ClinGen allele CA10420199.